The following is an entry in ClinVar:

ClinVar aggregate classification (germline): Pathogenic (1 of 4 stars; one submission).

Allele frequency attached by ClinVar (database versions not stated): gnomAD exomes below 0.00001; TOPMed below 0.00001; gnomAD 0.00001.
gnomAD v4.1: 2 of 1,612,734 alleles (0.00012%); highest among the groups gnomAD compares: African/African-American, 0.0013%; no homozygotes.

Submission:

Labcorp Genetics (formerly Invitae), Labcorp
Classification: Pathogenic. Last evaluated: 2022-07-12. Review status: criteria provided, single submitter. Criteria: Invitae Variant Classification Sherloc (09022015). Collection method: clinical testing. Allele origin: germline.
Comment: For these reasons, this variant has been classified as Pathogenic. ClinVar contains an entry for this variant (Variation ID: 1453008). This variant has not been reported in the literature in individuals affected with CEP63-related conditions. This variant is not present in population databases (gnomAD no frequency). This sequence change creates a premature translational stop signal (p.Glu397*) in the CEP63 gene. It is expected to result in an absent or disrupted protein product. Loss-of-function variants in CEP63 are known to be pathogenic (PMID: 21983783, 23936128, 26158450).

Literature cited by the submitters: PubMed 21983783; PubMed 23936128; PubMed 26158450.

NM_001353108.3(CEP63):c.1189G>T (p.Glu397Ter)

Gene: CEP63 (centrosomal protein 63; plus strand). Cytogenetic location: 3q22.2.
Variant type: single nucleotide variant.
Coding change: c.1189G>T on transcript NM_001353108.3 (MANE Select); coding-DNA position 1189, G replaced by T.
Protein change: p.Glu397Ter; replaces glutamic acid 397 with a stop codon.
Molecular consequence: nonsense. On other transcripts: non-coding transcript variant (4).
Genome position (GRCh38, 1-based): chr3:134,550,069, G>T. VCF-style: chr3-134550069-G-T. GRCh37 (hg19) VCF-style: chr3-134268911-G-T.
Other names: c.1051G>T, p.Glu351Ter (NM_001042383.2, NM_001042384.2, NM_001353109.1 and 6 more transcripts); c.1189G>T, p.Glu397Ter (NM_001042400.3, NM_001353110.1, NM_001353111.2 and 4 more transcripts); c.1078G>T, p.Glu360Ter (NM_001353118.1); c.967G>T, p.Glu323Ter (NM_001353125.2); c.688G>T, p.Glu230Ter (NM_001353126.2); short protein forms E351*, E230*, E323*, E360*, E397*.
Identifiers: ClinVar variation 1453008 (VCV001453008.6), dbSNP rs1358372238, ClinGen allele CA354630357.